The following is an entry in ClinVar:

ClinVar aggregate classification (germline): Pathogenic (1 of 4 stars; one submission).

Submission:

Labcorp Genetics (formerly Invitae), Labcorp
Classification: Pathogenic. Last evaluated: 2021-12-15. Review status: criteria provided, single submitter. Criteria: Invitae Variant Classification Sherloc (09022015). Collection method: clinical testing. Allele origin: germline.
Comment: For these reasons, this variant has been classified as Pathogenic. This variant has not been reported in the literature in individuals affected with HACD1-related conditions. This variant is present in population databases (rs782625636, gnomAD 0.01%). This sequence change creates a premature translational stop signal (p.Val168Glyfs*24) in the HACD1 gene. It is expected to result in an absent or disrupted protein product. Loss-of-function variants in HACD1 are known to be pathogenic (PMID: 23933735).

Literature cited by the submitters: PubMed 23933735.

NM_014241.4(HACD1):c.503_504del (p.Val168fs)

Gene: HACD1 (3-hydroxyacyl-CoA dehydratase 1; minus strand). Cytogenetic location: 10p12.33.
Variant type: Microsatellite.
Coding change: c.503_504del on transcript NM_014241.4 (MANE Select); coding-DNA positions 503 to 504, 2 bases deleted (TG; older notation c.503_504delTG).
Protein change: p.Val168fs; shifts the reading frame from valine 168.
Molecular consequence: frameshift variant.
Genome position (GRCh38, 1-based): chr10:17,599,391-17,599,392, CA deleted on the plus strand (TG on the coding strand, the reverse complement: HACD1 is on the minus strand); deleting any 2 consecutive bases within chr10:17,599,391-17,599,395 gives the same sequence; the c. name uses the placement nearest the transcript's 3' end. VCF-style (leftmost placement, unchanged base first): chr10-17599390-CCA-C. GRCh37 (hg19) VCF-style: chr10-17641389-CCA-C.
Other names: short protein forms V168fs.
Identifiers: ClinVar variation 1952319 (VCV001952319.5), dbSNP rs782625636, ClinGen allele CA5427278.
Genomic context (GRCh38, chr10:17,599,390, plus strand): 5'-TGAATGTGTAGAAGGAATAGCGAGTGATCTCTGTCACAGTCCACGCGACCAGAAAAAGCA[CCA>C]CACTCTCTTCATTCTGGATCTGCAGAATTACAGAGAAACCCAGTGTCATTCAACCTAGAA-3'